The following is an entry in ClinVar:

ClinVar aggregate classification (germline): Pathogenic (1 of 4 stars; one submission).

Submission:

Labcorp Genetics (formerly Invitae), Labcorp
Classification: Pathogenic. Last evaluated: 2024-01-31. Review status: criteria provided, single submitter. Criteria: Invitae Variant Classification Sherloc (09022015). Collection method: clinical testing. Allele origin: germline.
Comment: This sequence change creates a premature translational stop signal (p.Leu22Thrfs*19) in the LHX3 gene. It is expected to result in an absent or disrupted protein product. Loss-of-function variants in LHX3 are known to be pathogenic (PMID: 16394081, 18407919). This variant is not present in population databases (gnomAD no frequency). This variant has not been reported in the literature in individuals affected with LHX3-related conditions. For these reasons, this variant has been classified as Pathogenic.

Literature cited by the submitters: PubMed 16394081; PubMed 18407919.

NM_178138.6(LHX3):c.79+1956_79+1957insT

Gene: LHX3 (LIM homeobox 3; minus strand). Cytogenetic location: 9q34.3.
Variant type: Insertion.
Coding change: c.79+1956_79+1957insT on transcript NM_178138.6 (MANE Select); bases 1956 to 1957 of the intron after coding-DNA position 79, T inserted.
Molecular consequence: intron variant. On other transcripts: frameshift variant (1).
Genome position: GRCh38 VCF-style: chr9-136202977-T-TA. GRCh37 (hg19) VCF-style: chr9-139094823-T-TA.
Other names: c.62_63insT, p.Leu22fs (NM_014564.5); short protein forms L22fs.
Identifiers: ClinVar variation 2714452 (VCV002714452.3), dbSNP rs2490926232, ClinGen allele CA2697558199.
Genomic context (GRCh38, chr9:136,202,977, plus strand): 5'-CGGTGCAGCCACTCGGCCCGGGCACCCACCTCGGCGCAGGTCCGCCCTCCGCGCCAGCAG[T>TA]GCTAGCAGCAGGTCGCCTCCCGCCGACTCCCGGGCCGGGCCCAGCTCCCCGCGCGCCTCC-3'